The following is an entry in ClinVar:

ClinVar aggregate classification (germline): Uncertain significance (1 of 4 stars; one submission).

Allele frequency attached by ClinVar (database versions not stated): gnomAD exomes below 0.00001.

Submission:

Labcorp Genetics (formerly Invitae), Labcorp
Classification: Uncertain significance. Last evaluated: 2023-10-26. Review status: criteria provided, single submitter. Criteria: Invitae Variant Classification Sherloc (09022015). Collection method: clinical testing. Allele origin: germline.
Comment: This sequence change affects codon 462 of the THBD mRNA. It is a 'silent' change, meaning that it does not change the encoded amino acid sequence of the THBD protein. This variant is not present in population databases (gnomAD no frequency). This variant has not been reported in the literature in individuals affected with THBD-related conditions. Experimental studies and prediction algorithms are not available or were not evaluated, and the effect of this variant on mRNA splicing is currently unknown. In summary, the available evidence is currently insufficient to determine the role of this variant in disease. Therefore, it has been classified as a Variant of Uncertain Significance.

NM_000361.3(THBD):c.1386C>T (p.Phe462=)

Gene: THBD (thrombomodulin; minus strand). Cytogenetic location: 20p11.21.
Variant type: single nucleotide variant.
Coding change: c.1386C>T on transcript NM_000361.3 (MANE Select); coding-DNA position 1386, C replaced by T.
Protein change: p.Phe462=; no amino-acid change (phenylalanine 462 retained).
Molecular consequence: synonymous variant.
Genome position (GRCh38, 1-based): chr20:23,048,119, G>A on the plus strand (C>T on the coding strand, the complement: THBD is on the minus strand). VCF-style: chr20-23048119-G-A. GRCh37 (hg19) VCF-style: chr20-23028756-G-A.
Identifiers: ClinVar variation 2768210 (VCV002768210.3), dbSNP rs1984628008, ClinGen allele CA510160381.